The following is an entry in ClinVar:

ClinVar aggregate classification (germline): Benign. Review status: criteria provided, multiple submitters, no conflicts (2 of 4 stars). 9 submissions from 9 submitters: Benign (8). 1 of the submissions does not count toward it. Last evaluated 2026-02-03.

Conditions:
Kabuki syndrome. Also called: NIIKAWA-KUROKI SYNDROME; Kabuki make-up syndrome. Identifiers: Orphanet 2322, MedGen C0796004, MONDO:0016512.

Allele frequency attached by ClinVar (database versions not stated): gnomAD exomes 0.02772 and 0.01012; gnomAD 0.09002 and 0.09584; ESP Exome Variant Server 0.09326; TOPMed 0.09394; 1000 Genomes Project 30x 0.09400; 1000 Genomes Project 0.08846; ExAC 0.02822.
gnomAD v4.1: 26,650 of 1,478,052 alleles (1.8%); highest among the groups gnomAD compares: African/African-American, 31%; 3,260 homozygotes.

Submissions (9):

Labcorp Genetics (formerly Invitae), Labcorp
Classification: Benign for Kabuki syndrome. Last evaluated: 2026-02-03. Review status: criteria provided, single submitter. Criteria: Invitae Variant Classification Sherloc (09022015). Collection method: clinical testing. Allele origin: germline.

ARUP Laboratories, Molecular Genetics and Genomics, ARUP Laboratories
Classification: Benign. Last evaluated: 2025-05-23. Review status: criteria provided, single submitter. Criteria: ARUP Molecular Germline Variant Investigation Process 2024. Collection method: clinical testing. Allele origin: germline.

Blueprint Genetics
Classification: Benign. Last evaluated: 2024-11-27. Review status: criteria provided, single submitter. Criteria: ACMG Guidelines, 2015. Collection method: clinical testing. Allele origin: germline.

Eurofins Ntd Llc (ga)
Classification: Benign. Last evaluated: 2016-03-16. Review status: criteria provided, single submitter. Criteria: EGL Classification Definitions 2015. Collection method: clinical testing. Allele origin: germline. Observed: 26 variant alleles, 25 heterozygotes, 1 homozygote.

GeneDx
Classification: Benign. Last evaluated: 2015-03-03. Review status: criteria provided, single submitter. Criteria: GeneDx Variant Classification Process June 2021. Collection method: clinical testing. Allele origin: germline. Affected: yes.

Genetic Services Laboratory, University of Chicago
Classification: Benign. Last evaluated: 2013-02-08. Review status: criteria provided, single submitter. Criteria: ACMG Guidelines, 2007. Collection method: clinical testing. Allele origin: germline. Inheritance: Autosomal dominant inheritance.

Breakthrough Genomics
Classification: Benign. Review status: criteria provided, single submitter. Criteria: ACMG Guidelines, 2015. Collection method: not provided. Allele origin: germline. Inheritance: Autosomal dominant inheritance. Affected: yes.

PreventionGenetics, part of Exact Sciences
Classification: Benign. Review status: criteria provided, single submitter. Criteria: ACMG Guidelines, 2015. Collection method: clinical testing. Allele origin: germline.

ITMI
No classification provided. Condition: AllHighlyPenetrant. Last evaluated: 2013-09-19. Review status: no classification provided. Collection method: reference population. Allele origin: germline. Not counted in ClinVar's aggregate classification.
Comment: Please see associated publication for description of ethnicities

Literature cited by the submitters: PubMed 24728327 (cited by ITMI).

NM_003482.4(KMT2D):c.1426G>A (p.Ala476Thr)

Gene: KMT2D (lysine methyltransferase 2D; minus strand). Cytogenetic location: 12q13.12.
Variant type: single nucleotide variant.
Coding change: c.1426G>A on transcript NM_003482.4 (MANE Select); coding-DNA position 1426, G replaced by A.
Protein change: p.Ala476Thr; replaces alanine 476 with threonine.
Molecular consequence: missense variant.
Genome position (GRCh38, 1-based): chr12:49,052,257, C>T on the plus strand (G>A on the coding strand, the complement: KMT2D is on the minus strand). VCF-style: chr12-49052257-C-T. GRCh37 (hg19) VCF-style: chr12-49446040-C-T.
Other names: short protein forms A476T.
Identifiers: ClinVar variation 94174 (VCV000094174.32), dbSNP rs1064210, ClinGen allele CA147679.